The following is an entry in ClinVar:

ClinVar aggregate classification (germline): Conflicting classifications of pathogenicity. Review status: criteria provided, conflicting classifications (1 of 4 stars). 5 submissions from 5 submitters: Pathogenic (1); Likely pathogenic (2); Uncertain significance (2). Last evaluated 2025-04-30.

Conditions:
Acyl-CoA dehydrogenase 9 deficiency. Also called: Acyl-CoA dehydrogenase family, member 9, deficiency of; MITOCHONDRIAL COMPLEX I DEFICIENCY, NUCLEAR TYPE 20. Identifiers: Orphanet 99901, MedGen C4747517, MONDO:0012624, OMIM 611126.

Allele frequency attached by ClinVar (database versions not stated): gnomAD exomes below 0.00001 and 0.00001; ExAC 0.00002; gnomAD 0.00003; TOPMed 0.00005.
gnomAD v4.1: 13 of 1,614,038 alleles (0.00081%); highest among the groups gnomAD compares: African/African-American, 0.004%; no homozygotes.

Submissions (5):

Labcorp Genetics (formerly Invitae), Labcorp
Classification: Uncertain significance. Last evaluated: 2025-04-30. Review status: criteria provided, single submitter. Criteria: Invitae Variant Classification Sherloc (09022015). Collection method: clinical testing. Allele origin: germline.
Comment: This sequence change replaces arginine, which is basic and polar, with glutamine, which is neutral and polar, at codon 433 of the ACAD9 protein (p.Arg433Gln). This variant is present in population databases (rs781156571, gnomAD 0.0009%). This missense change has been observed in individual(s) with mitochondrial complex I deficiency (PMID: 25721401). ClinVar contains an entry for this variant (Variation ID: 242462). Invitae Evidence Modeling of protein sequence and biophysical properties (such as structural, functional, and spatial information, amino acid conservation, physicochemical variation, residue mobility, and thermodynamic stability) indicates that this missense variant is expected to disrupt ACAD9 protein function with a positive predictive value of 80%. Experimental studies have shown that this missense change affects ACAD9 function (PMID: 25721401). In summary, the available evidence is currently insufficient to determine the role of this variant in disease. Therefore, it has been classified as a Variant of Uncertain Significance.

Fulgent Genetics
Classification: Likely pathogenic for Acyl-CoA dehydrogenase 9 deficiency. Last evaluated: 2024-03-28. Review status: criteria provided, single submitter. Criteria: ACMG Guidelines, 2015. Collection method: clinical testing. Allele origin: germline.

Baylor Genetics
Classification: Likely pathogenic for Acyl-CoA dehydrogenase 9 deficiency. Last evaluated: 2024-02-28. Review status: criteria provided, single submitter. Criteria: ACMG Guidelines, 2015. Collection method: clinical testing. Allele origin: unknown.

Women's Health and Genetics/Laboratory Corporation of America, LabCorp
Classification: Uncertain significance. Last evaluated: 2023-10-18. Review status: criteria provided, single submitter. Criteria: LabCorp Variant Classification Summary - May 2015. Collection method: clinical testing. Allele origin: germline.
Comment: Variant summary: ACAD9 c.1298G>A (p.Arg433Gln) results in a conservative amino acid change located in the Acyl-CoA dehydrogenase/oxidase, C-terminal (IPR009075) of the encoded protein sequence. Four of five in-silico tools predict a damaging effect of the variant on protein function. The variant allele was found at a frequency of 4e-06 in 251412 control chromosomes (gnomAD). c.1298G>A has been reported in the literature in an individual affected with Mitochondrial Complex I Deficiency (Schiff_2015, Collet_2016). These data do not allow any conclusion about variant significance. At least one publication reports experimental evidence evaluating an impact on protein function. The most pronounced variant effect results in 10%-<30% of normal activity. The following publications have been ascertained in the context of this evaluation (PMID: 25721401, 26669660). Two submitters have cited clinical-significance assessments for this variant to ClinVar after 2014. One submitter classified the variant as pathogenic, and one submitter classified the variant as uncertain significance. Based on the evidence outlined above, the variant was classified as VUS-possibly pathogenic.

GeneDx
Classification: Pathogenic. Last evaluated: 2021-10-27. Review status: criteria provided, single submitter. Criteria: GeneDx Variant Classification Process June 2021. Collection method: clinical testing. Allele origin: germline. Affected: yes.
Comment: Functional analysis of R433Q found it is associated with significantly reduced ACAD9 activity compared to wild-type (Schiff et al., 2015); Not observed at a significant frequency in large population cohorts (Lek et al., 2016); In silico analysis supports that this missense variant has a deleterious effect on protein structure/function; This variant is associated with the following publications: (PMID: 25721401, 30025539, 26669660, 28284481)

Literature cited by the submitters: PubMed 25721401 (cited by Labcorp Genetics (formerly Invitae), Labcorp and Women's Health and Genetics/Laboratory Corporation of America, LabCorp); PubMed 26669660 (cited by Women's Health and Genetics/Laboratory Corporation of America, LabCorp).

NM_014049.5(ACAD9):c.1298G>A (p.Arg433Gln)

Gene: ACAD9 (acyl-CoA dehydrogenase family member 9; plus strand). Cytogenetic location: 3q21.3.
Variant type: single nucleotide variant.
Coding change: c.1298G>A on transcript NM_014049.5 (MANE Select); coding-DNA position 1298, G replaced by A.
Protein change: p.Arg433Gln; replaces arginine 433 with glutamine.
Molecular consequence: missense variant. On other transcripts: non-coding transcript variant (1).
Genome position (GRCh38, 1-based): chr3:128,908,204, G>A. VCF-style: chr3-128908204-G-A. GRCh37 (hg19) VCF-style: chr3-128627047-G-A.
Other names: short protein forms R433Q.
Identifiers: ClinVar variation 242462 (VCV000242462.9), dbSNP rs781156571, ClinGen allele CA353817.
Genomic context (GRCh38, chr3:128,908,204, plus strand): 5'-GGCCGGGGGGCAGCCTTTGACCTCTACACTACTGACCACAGGGAACCAATGAGATTCTCC[G>A]GATGTACATCGCCCTGACGGGTCTGCAGCATGCCGGCCGCATCCTGACTACCAGGATCCA-3'
Protein context (NP_054768.2, residues 423-443): LIFEGTNEIL[Arg433Gln]MYIALTGLQH